The following is an entry in ClinVar:

ClinVar aggregate classification (germline): Uncertain significance. Review status: criteria provided, multiple submitters, no conflicts (2 of 4 stars). 3 submissions from 3 submitters: Uncertain significance (3). Last evaluated 2025-10-29.

Conditions:
Hereditary cancer-predisposing syndrome. Also called: Hereditary neoplastic syndrome; Tumor predisposition; Neoplastic Syndromes, Hereditary; Hereditary Cancer Syndrome. Identifiers: Orphanet 140162, MedGen C0027672, MeSH D009386, MONDO:0015356.
Familial adenomatous polyposis 1 (FAP1). Also called: FAMILIAL ADENOMATOUS POLYPOSIS 1, ATTENUATED; POLYPOSIS, ADENOMATOUS INTESTINAL. Identifiers: MedGen C2713442, MONDO:0021056, OMIM 175100. Disease mechanism: loss of function.

Submissions (3):

Ambry Genetics
Classification: Uncertain significance for Hereditary cancer-predisposing syndrome. Last evaluated: 2025-10-29. Review status: criteria provided, single submitter. Criteria: Ambry Variant Classification Scheme 2023. Collection method: clinical testing. Allele origin: germline.
Comment: The c.4977_5003dup27 variant (also known as p.D1659_N1667dup), located in coding exon 15 of the APC gene, results from an in-frame duplication of 27 nucleotides at nucleotide positions 4977 to 5003. This results in the duplication of 9 extra residues (DLTIESPPN) between codons 1659 and 1667. In addition, the in silico prediction for this variant is inconclusive (Choi Y et al. PLoS ONE. 2012; 7(10):e46688). Based on the available evidence, the clinical significance of this variant remains unclear.

Labcorp Genetics (formerly Invitae), Labcorp
Classification: Uncertain significance for Familial adenomatous polyposis 1. Last evaluated: 2025-07-27. Review status: criteria provided, single submitter. Criteria: Invitae Variant Classification Sherloc (09022015). Collection method: clinical testing. Allele origin: germline.
Comment: This variant, c.4977_5003dup, results in the insertion of 9 amino acid(s) of the APC protein (p.Asp1659_Asn1667dup), but otherwise preserves the integrity of the reading frame. This variant is not present in population databases (gnomAD no frequency). This variant has not been reported in the literature in individuals affected with APC-related conditions. ClinVar contains an entry for this variant (Variation ID: 419228). Experimental studies and prediction algorithms are not available or were not evaluated, and the functional significance of this variant is currently unknown. In summary, the available evidence is currently insufficient to determine the role of this variant in disease. Therefore, it has been classified as a Variant of Uncertain Significance.

GeneDx
Classification: Uncertain significance. Last evaluated: 2015-06-10. Review status: criteria provided, single submitter. Criteria: GeneDx Variant Classification (06012015). Collection method: clinical testing. Allele origin: germline. Affected: yes.
Comment: This insertion of 27 nucleotides in APC is denoted c.4977_5003dup27 at the cDNA level and p.D1659_N1667dup at the protein level. The normal sequence, with the bases that are inserted in braces, is GTGA[dup27]GTTA. This in frame insertion occurs in a region which is conserved through mammals and is located within SAMP repeats/axin binding domain (Azzopardi 2008). This variant has not, to our knowledge, been published in the literature as pathogenic or benign. Since in frame duplications may or may not inhibit proper protein functioning, the clinical significance of this finding remains unclear at this time and we consider APC D1659_N1667dup to be a variant of uncertain significance.

NM_000038.6(APC):c.4977_5003dup (p.Asp1659_Asn1667dup)

Gene: APC (APC regulator of Wnt signaling pathway; plus strand). Cytogenetic location: 5q22.2.
Variant type: Duplication.
Coding change: c.4977_5003dup on transcript NM_000038.6 (MANE Select); coding-DNA positions 4977 to 5003, 27 bases duplicated (TCTAACAATCGAATCCCCTCCAAATGA).
Protein change: p.Asp1659_Asn1667dup.
Molecular consequence: inframe insertion.
Genome position (GRCh38, 1-based): chr5:112,840,571-112,840,597, TCTAACAATCGAATCCCCTCCAAATGA duplicated; duplicating any 27 consecutive bases within chr5:112,840,568-112,840,597 gives the same sequence; the c. name uses the placement nearest the transcript's 3' end. VCF-style (leftmost placement, unchanged base first): chr5-112840567-G-GTGATCTAACAATCGAATCCCCTCCAAA. GRCh37 (hg19) VCF-style: chr5-112176264-G-GTGATCTAACAATCGAATCCCCTCCAAA.
Other names: c.4977_5003dupTCTAACAATCGAATCCCCTCCAAATGA (NM_000038.5); c.4977_5003dup, p.Asp1659_Asn1667dup (NM_001127510.3, NM_001354895.2); c.4923_4949dup, p.Asp1641_Asn1649dup (NM_001127511.3); c.5031_5057dup, p.Asp1677_Asn1685dup (NM_001354896.2); c.5007_5033dup, p.Asp1669_Asn1677dup (NM_001354897.2); c.4902_4928dup, p.Asp1634_Asn1642dup (NM_001354898.2); c.4893_4919dup, p.Asp1631_Asn1639dup (NM_001354899.2); c.4854_4880dup, p.Asp1618_Asn1626dup (NM_001354900.2); and 6 more.
Identifiers: ClinVar variation 419228 (VCV000419228.19), dbSNP rs1064793736, ClinGen allele CA16618088.